The following is an entry in ClinVar:

ClinVar aggregate classification (germline): Uncertain significance (1 of 4 stars; one submission).

Allele frequency attached by ClinVar (database versions not stated): gnomAD 0.00001.

Submission:

Ambry Genetics
Classification: Uncertain significance. Last evaluated: 2024-07-09. Review status: criteria provided, single submitter. Criteria: Ambry Variant Classification Scheme 2023. Collection method: clinical testing. Allele origin: germline.
Comment: The p.G150R variant (also known as c.448G>A), located in coding exon 3 of the IDH1 gene, results from a G to A substitution at nucleotide position 448. The glycine at codon 150 is replaced by arginine, an amino acid with dissimilar properties. This amino acid position is conserved. In addition, this alteration is predicted to be deleterious by in silico analysis. Since supporting evidence is limited at this time, the clinical significance of this alteration remains unclear.

NM_005896.4(IDH1):c.448G>A (p.Gly150Arg)

Gene: IDH1 (isocitrate dehydrogenase (NADP(+)) 1; minus strand). Cytogenetic location: 2q34.
Variant type: single nucleotide variant.
Coding change: c.448G>A on transcript NM_005896.4 (MANE Select); coding-DNA position 448, G replaced by A.
Protein change: p.Gly150Arg; replaces glycine 150 with arginine.
Molecular consequence: missense variant.
Genome position (GRCh38, 1-based): chr2:208,245,391, C>T on the plus strand (G>A on the coding strand, the complement: IDH1 is on the minus strand). VCF-style: chr2-208245391-C-T. GRCh37 (hg19) VCF-style: chr2-209110115-C-T.
Other names: c.448G>A, p.Gly150Arg (NM_001282386.1, NM_001282387.1); short protein forms G150R.
Identifiers: ClinVar variation 1740961 (VCV001740961.3), dbSNP rs1382900335, ClinGen allele CA350100438.